The following is an entry in ClinVar:

ClinVar aggregate classification (germline): Uncertain significance (1 of 4 stars; one submission).

Submission:

Labcorp Genetics (formerly Invitae), Labcorp
Classification: Uncertain significance. Last evaluated: 2022-04-12. Review status: criteria provided, single submitter. Criteria: Invitae Variant Classification Sherloc (09022015). Collection method: clinical testing. Allele origin: germline.
Comment: This sequence change replaces leucine, which is neutral and non-polar, with arginine, which is basic and polar, at codon 41 of the C10orf11 protein (p.Leu41Arg). This variant is not present in population databases (gnomAD no frequency). This variant has not been reported in the literature in individuals affected with C10orf11-related conditions. Algorithms developed to predict the effect of missense changes on protein structure and function are either unavailable or do not agree on the potential impact of this missense change (SIFT: "Deleterious"; PolyPhen-2: "Benign"; Align-GVGD: "Class C0"). In summary, the available evidence is currently insufficient to determine the role of this variant in disease. Therefore, it has been classified as a Variant of Uncertain Significance.

NM_001305581.2(LRMDA):c.206T>G (p.Leu69Arg)

Genes: LRMDA (leucine rich melanocyte differentiation associated; plus strand), LOC110121427 (VISTA enhancer hs1679; plus strand). Cytogenetic location: 10q22.3.
Variant type: single nucleotide variant.
Coding change: c.206T>G on transcript NM_001305581.2 (MANE Select); coding-DNA position 206, T replaced by G.
Protein change: p.Leu69Arg; replaces leucine 69 with arginine.
Molecular consequence: missense variant. On other transcripts: non-coding transcript variant (1).
Genome position (GRCh38, 1-based): chr10:76,036,082, T>G. VCF-style: chr10-76036082-T-G. GRCh37 (hg19) VCF-style: chr10-77795840-T-G.
Other names: c.122T>G, p.Leu41Arg (NM_032024.5); short protein forms L41R, L69R.
Identifiers: ClinVar variation 2125281 (VCV002125281.4), dbSNP rs2492776614, ClinGen allele CA377400746.